The following is an entry in ClinVar:

NM_022089.4(ATP13A2):c.2593G>C (p.Glu865Gln)

Gene: ATP13A2 (ATPase cation transporting 13A2; minus strand). Cytogenetic location: 1p36.13.
Variant type: single nucleotide variant.
Coding change: c.2593G>C on transcript NM_022089.4 (MANE Select); coding-DNA position 2593, G replaced by C.
Protein change: p.Glu865Gln; replaces glutamic acid 865 with glutamine.
Molecular consequence: missense variant.
Genome position (GRCh38, 1-based): chr1:16,989,707, C>G on the plus strand (G>C on the coding strand, the complement: ATP13A2 is on the minus strand). VCF-style: chr1-16989707-C-G. GRCh37 (hg19) VCF-style: chr1-17316202-C-G.
Other names: c.2578G>C, p.Glu860Gln (NM_001141973.3); c.2461G>C, p.Glu821Gln (NM_001141974.3); short protein forms E865Q, E860Q, E821Q.
Identifiers: ClinVar variation 2108090 (VCV002108090.4), dbSNP rs148534162, ClinGen allele CA338239242.
Genomic context (GRCh38, chr1:16,989,707, plus strand): 5'-CAGTCTCCGCAGGCCCTTGCCCACACCCTCTGCCGAGCACTCACTGAAGCTTCTGTAGCT[C>G]GCACACCAGCTCTGTCTTCTGCTCAGGGGCCATGCGGGCAAAGACAGTGCCCTGGACCAG-3'
Protein context (NP_071372.1, residues 855-875): APEQKTELVC[Glu865Gln]LQKLQYCVGM

ClinVar aggregate classification (germline): Uncertain significance (1 of 4 stars; one submission).

Conditions:
Kufor-Rakeb syndrome (KRS). Also called: PARKINSON DISEASE 9, AUTOSOMAL RECESSIVE, JUVENILE-ONSET. Identifiers: Orphanet 306674, Orphanet 314632, MedGen C1847640, MONDO:0011706, OMIM 606693.
Autosomal recessive spastic paraplegia type 78. Identifiers: Orphanet 513436, MedGen C5567893, MONDO:0014975, OMIM 617225.

Submission:

Labcorp Genetics (formerly Invitae), Labcorp
Classification: Uncertain significance for Kufor-Rakeb syndrome; Autosomal recessive spastic paraplegia type 78. Last evaluated: 2025-04-07. Review status: criteria provided, single submitter. Criteria: Invitae Variant Classification Sherloc (09022015). Collection method: clinical testing. Allele origin: germline.
Comment: This sequence change replaces glutamic acid, which is acidic and polar, with glutamine, which is neutral and polar, at codon 865 of the ATP13A2 protein (p.Glu865Gln). This variant is not present in population databases (gnomAD no frequency). This variant has not been reported in the literature in individuals affected with ATP13A2-related conditions. ClinVar contains an entry for this variant (Variation ID: 2108090). Invitae Evidence Modeling of protein sequence and biophysical properties (such as structural, functional, and spatial information, amino acid conservation, physicochemical variation, residue mobility, and thermodynamic stability) indicates that this missense variant is not expected to disrupt ATP13A2 protein function with a negative predictive value of 80%. In summary, the available evidence is currently insufficient to determine the role of this variant in disease. Therefore, it has been classified as a Variant of Uncertain Significance.